The following is an entry in ClinVar:

ClinVar aggregate classification (germline): Uncertain significance (1 of 4 stars; one submission).

Conditions:
Inborn genetic diseases. Identifiers: MedGen C0950123, MeSH D030342.

Allele frequency attached by ClinVar (database versions not stated): gnomAD 0.00001; gnomAD exomes 0.00001.
gnomAD v4.1: 11 of 1,613,874 alleles (0.00068%); highest among the groups gnomAD compares: African/African-American, 0.0013%; no homozygotes.

Submission:

Ambry Genetics
Classification: Uncertain significance for Inborn genetic diseases. Last evaluated: 2021-07-01. Review status: criteria provided, single submitter. Criteria: Ambry Variant Classification Scheme 2023. Collection method: clinical testing. Allele origin: germline.
Comment: The p.E817K variant (also known as c.2449G>A), located in coding exon 15 of the CDH2 gene, results from a G to A substitution at nucleotide position 2449. The glutamic acid at codon 817 is replaced by lysine, an amino acid with similar properties. This amino acid position is conserved. In addition, this alteration is predicted to be deleterious by in silico analysis. Since supporting evidence is limited at this time, the clinical significance of this alteration remains unclear.

NM_001792.5(CDH2):c.2449G>A (p.Glu817Lys)

Genes: CDH2 (cadherin 2; minus strand), CDH2-AS1 (CDH2 antisense RNA 1; plus strand). Cytogenetic location: 18q12.1.
Variant type: single nucleotide variant.
Coding change: c.2449G>A on transcript NM_001792.5 (MANE Select); coding-DNA position 2449, G replaced by A.
Protein change: p.Glu817Lys; replaces glutamic acid 817 with lysine.
Molecular consequence: missense variant.
Genome position (GRCh38, 1-based): chr18:27,963,422, C>T on the plus strand (G>A on the coding strand, the complement: CDH2 is on the minus strand). VCF-style: chr18-27963422-C-T. GRCh37 (hg19) VCF-style: chr18-25543386-C-T.
Other names: c.2356G>A, p.Glu786Lys (NM_001308176.2); short protein forms E817K, E786K.
Identifiers: ClinVar variation 1791441 (VCV001791441.2), dbSNP rs1476143861, ClinGen allele CA402103943.